The following is an entry in ClinVar:

NM_145331.3(MAP3K7):c.297A>G (p.Pro99=)

Gene: MAP3K7 (mitogen-activated protein kinase kinase kinase 7; minus strand). Cytogenetic location: 6q15.
Variant type: single nucleotide variant.
Coding change: c.297A>G on transcript NM_145331.3 (MANE Select); coding-DNA position 297, A replaced by G.
Protein change: p.Pro99=; no amino-acid change (proline 99 retained).
Molecular consequence: synonymous variant.
Genome position (GRCh38, 1-based): chr6:90,568,558, T>C on the plus strand (A>G on the coding strand, the complement: MAP3K7 is on the minus strand). VCF-style: chr6-90568558-T-C. GRCh37 (hg19) VCF-style: chr6-91278277-T-C.
Other names: c.297A>G, p.Pro99= (NM_003188.4, NM_145332.3, NM_145333.3).
Identifiers: ClinVar variation 2991623 (VCV002991623.3), dbSNP rs959596303, ClinGen allele CA143017399.

ClinVar aggregate classification (germline): Uncertain significance (1 of 4 stars; one submission).

Allele frequency attached by ClinVar (database versions not stated): gnomAD exomes below 0.00001; gnomAD 0.00001; TOPMed 0.00001.
gnomAD v4.1: 5 of 1,605,696 alleles (0.00031%); highest among the groups gnomAD compares: Non-Finnish European, 0.00042%; no homozygotes.

Submission:

Labcorp Genetics (formerly Invitae), Labcorp
Classification: Uncertain significance. Last evaluated: 2023-02-28. Review status: criteria provided, single submitter. Criteria: Invitae Variant Classification Sherloc (09022015). Collection method: clinical testing. Allele origin: germline.
Comment: This variant is present in population databases (no rsID available, gnomAD 0.0009%). In summary, the available evidence is currently insufficient to determine the role of this variant in disease. Therefore, it has been classified as a Variant of Uncertain Significance. Algorithms developed to predict the effect of sequence changes on RNA splicing suggest that this variant is not likely to affect RNA splicing. This variant has not been reported in the literature in individuals affected with MAP3K7-related conditions. This sequence change affects codon 99 of the MAP3K7 mRNA. It is a 'silent' change, meaning that it does not change the encoded amino acid sequence of the MAP3K7 protein. It affects a nucleotide within the consensus splice site.